The following is an entry in ClinVar:

NM_000350.3(ABCA4):c.1057T>G (p.Ser353Ala)

Gene: ABCA4 (ATP binding cassette subfamily A member 4; minus strand). Cytogenetic location: 1p22.1.
Variant type: single nucleotide variant.
Coding change: c.1057T>G on transcript NM_000350.3 (MANE Select); coding-DNA position 1057, T replaced by G.
Protein change: p.Ser353Ala; replaces serine 353 with alanine.
Molecular consequence: missense variant.
Genome position (GRCh38, 1-based): chr1:94,080,520, A>C on the plus strand (T>G on the coding strand, the complement: ABCA4 is on the minus strand). VCF-style: chr1-94080520-A-C. GRCh37 (hg19) VCF-style: chr1-94546076-A-C.
Other names: c.1057T>G, p.Ser353Ala (NM_001425324.1); short protein forms S353A.
Identifiers: ClinVar variation 1431667 (VCV001431667.6), dbSNP rs2101106591, ClinGen allele CA341283915.

ClinVar aggregate classification (germline): Uncertain significance (1 of 4 stars; one submission).

Submission:

Labcorp Genetics (formerly Invitae), Labcorp
Classification: Uncertain significance. Last evaluated: 2024-10-16. Review status: criteria provided, single submitter. Criteria: Invitae Variant Classification Sherloc (09022015). Collection method: clinical testing. Allele origin: germline.
Comment: This sequence change replaces serine, which is neutral and polar, with alanine, which is neutral and non-polar, at codon 353 of the ABCA4 protein (p.Ser353Ala). This variant is not present in population databases (gnomAD no frequency). This variant has not been reported in the literature in individuals affected with ABCA4-related conditions. ClinVar contains an entry for this variant (Variation ID: 1431667). Invitae Evidence Modeling of protein sequence and biophysical properties (such as structural, functional, and spatial information, amino acid conservation, physicochemical variation, residue mobility, and thermodynamic stability) indicates that this missense variant is not expected to disrupt ABCA4 protein function with a negative predictive value of 95%. In summary, the available evidence is currently insufficient to determine the role of this variant in disease. Therefore, it has been classified as a Variant of Uncertain Significance.